The following is an entry in ClinVar:

ClinVar aggregate classification (germline): Uncertain significance. Review status: criteria provided, multiple submitters, no conflicts (2 of 4 stars). 5 submissions from 5 submitters: Uncertain significance (5). Last evaluated 2025-06-06.

Conditions:
Dilated cardiomyopathy 1G (CMD1G). Identifiers: Orphanet 154, MedGen C1858763, MONDO:0011400, OMIM 604145.
TTN-related disorder. Also called: TTN-related disorders; TTN-related condition; TTN-related disease.
Cardiovascular phenotype. Identifiers: MedGen CN230736.

Allele frequency attached by ClinVar (database versions not stated): gnomAD exomes below 0.00001; gnomAD 0.00001; TOPMed 0.00003.
gnomAD v4.1: 3 of 1,613,586 alleles (0.00019%); highest among the groups gnomAD compares: African/African-American, 0.0013%; no homozygotes.

Submissions (5):

PreventionGenetics, part of Exact Sciences
Classification: Uncertain significance for TTN-related condition. Last evaluated: 2025-06-06. Review status: criteria provided, single submitter. Criteria: ACMG Guidelines, 2015. Collection method: clinical testing. Allele origin: germline.
Comment: The TTN c.94747C>T variant is predicted to result in the amino acid substitution p.Arg31583Cys. To our knowledge, this variant has not been reported in the literature or in a large population database (gnomAD), indicating this variant is rare. At this time, the clinical significance of this variant is uncertain due to the absence of conclusive functional and genetic evidence.

Women's Health and Genetics/Laboratory Corporation of America, LabCorp
Classification: Uncertain significance. Last evaluated: 2024-07-01. Review status: criteria provided, single submitter. Criteria: LabCorp Variant Classification Summary - May 2015. Collection method: clinical testing. Allele origin: germline.
Comment: Variant summary: TTN c.87043C>T (p.Arg29015Cys) results in a non-conservative amino acid change located in the A-band of the encoded protein sequence. Four of four in-silico tools predict a damaging effect of the variant on protein function. The variant was absent in 248338 control chromosomes (gnomAD). The available data on variant occurrences in the general population are insufficient to allow any conclusion about variant significance. To our knowledge, no occurrence of c.87043C>T in individuals affected with Dilated Cardiomyopathy and no experimental evidence demonstrating its impact on protein function have been reported. ClinVar contains an entry for this variant (Variation ID: 1755250). Based on the evidence outlined above, the variant was classified as uncertain significance.

GeneDx
Classification: Uncertain significance. Last evaluated: 2024-06-03. Review status: criteria provided, single submitter. Criteria: GeneDx Variant Classification Process June 2021. Collection method: clinical testing. Allele origin: germline.
Comment: Not observed at significant frequency in large population cohorts (gnomAD); Missense variant in a gene in which most reported pathogenic variants are truncating/loss of function; Has not been previously published as pathogenic or benign to our knowledge

Clinical Genomics Laboratory, Washington University in St. Louis
Classification: Uncertain significance for Dilated cardiomyopathy 1G. Last evaluated: 2024-04-04. Review status: criteria provided, single submitter. Criteria: ACMG Guidelines, 2015. Collection method: clinical testing. Allele origin: germline.
Comment: A TTN c.94747C>T (p.Arg31583Cys) variant was identified. This variant, to our knowledge, has not been reported in the medical literature in individuals with TTN-related conditions. This variant has been reported in the ClinVar database as a germline variant of uncertain significance by two submitters (ClinVar Variation ID: 1755250). The TTN c.94747C>T (p.Arg31583Cys) variant is absent from the general population (gnomAD v2.1.1). Computational predictors are uncertain as to the impact of this variant on TTN function. Due to limited information, and based on ACMG/AMP guidelines for variant interpretation (Richards S et al., PMID: 25741868), the clinical significance of this variant is uncertain at this time.

Ambry Genetics
Classification: Uncertain significance for Cardiovascular phenotype. Last evaluated: 2020-02-21. Review status: criteria provided, single submitter. Criteria: Ambry Variant Classification Scheme 2023. Collection method: clinical testing. Allele origin: germline.
Comment: The p.R22518C variant (also known as c.67552C>T), located in coding exon 168 of the TTN gene, results from a C to T substitution at nucleotide position 67552. The arginine at codon 22518 is replaced by cysteine, an amino acid with highly dissimilar properties. This amino acid position is highly conserved in available vertebrate species. In addition, the in silico prediction for this alteration is inconclusive. Since supporting evidence is limited at this time, the clinical significance of this alteration remains unclear.

NM_001267550.2(TTN):c.94747C>T (p.Arg31583Cys)

Genes: TTN-AS1 (TTN antisense RNA 1; plus strand), TTN (titin; minus strand). Cytogenetic location: 2q31.2.
Variant type: single nucleotide variant.
Coding change: c.94747C>T on transcript NM_001267550.2 (MANE Select); coding-DNA position 94747, C replaced by T.
Protein change: p.Arg31583Cys; replaces arginine 31583 with cysteine.
Molecular consequence: missense variant.
Genome position (GRCh38, 1-based): chr2:178,546,681, G>A on the plus strand (C>T on the coding strand, the complement: TTN is on the minus strand). VCF-style: chr2-178546681-G-A. GRCh37 (hg19) VCF-style: chr2-179411408-G-A.
Other names: c.89824C>T, p.Arg29942Cys (NM_001256850.1); c.67552C>T, p.Arg22518Cys (NM_003319.4); c.87043C>T, p.Arg29015Cys (NM_133378.4); c.67927C>T, p.Arg22643Cys (NM_133432.3); c.68128C>T, p.Arg22710Cys (NM_133437.4); short protein forms R22518C, R22643C, R31583C, R29015C, R22710C, R29942C.
Identifiers: ClinVar variation 1755250 (VCV001755250.7), dbSNP rs994448356, ClinGen allele CA60972522.